The following is an entry in ClinVar:

NM_007272.3(CTRC):c.139C>A (p.Leu47Ile)

Gene: CTRC (chymotrypsin C; plus strand). Cytogenetic location: 1p36.21.
Variant type: single nucleotide variant.
Coding change: c.139C>A on transcript NM_007272.3 (MANE Select); coding-DNA position 139, C replaced by A.
Protein change: p.Leu47Ile; replaces leucine 47 with isoleucine.
Molecular consequence: missense variant.
Genome position (GRCh38, 1-based): chr1:15,440,499, C>A. VCF-style: chr1-15440499-C-A. GRCh37 (hg19) VCF-style: chr1-15766995-C-A.
Other names: short protein forms L47I.
Identifiers: ClinVar variation 4560124 (VCV004560124.1).

ClinVar aggregate classification (germline): Uncertain significance (1 of 4 stars; one submission).

Conditions:
Hereditary pancreatitis (PCTT). Also called: Hereditary chronic pancreatitis; PRSS1-Related Hereditary Pancreatitis. Identifiers: Orphanet 676, MedGen C0238339, MONDO:0008185, OMIM 167800.

Submission:

Ambry Genetics
Classification: Uncertain significance for Hereditary pancreatitis. Last evaluated: 2025-09-22. Review status: criteria provided, single submitter. Criteria: Ambry Variant Classification Scheme 2023. Collection method: clinical testing. Allele origin: germline.
Comment: The p.L47I variant (also known as c.139C>A), located in coding exon 3 of the CTRC gene, results from a C to A substitution at nucleotide position 139. The leucine at codon 47 is replaced by isoleucine, an amino acid with highly similar properties. This amino acid position is conserved. In addition, the in silico prediction for this alteration is inconclusive. Based on the available evidence, the clinical significance of this variant remains unclear.